The following is an entry in ClinVar:

ClinVar aggregate classification (germline): Pathogenic (1 of 4 stars; one submission).

Conditions:
Primary ciliary dyskinesia. Also called: Ciliary dyskinesia. Identifiers: Orphanet 244, MedGen C0008780, MONDO:0016575, HP:0012265.

gnomAD v4.1: 2 of 1,613,846 alleles (0.00012%); highest among the groups gnomAD compares: Non-Finnish European, 0.00017%; no homozygotes.

Submission:

Labcorp Genetics (formerly Invitae), Labcorp
Classification: Pathogenic for Primary ciliary dyskinesia. Last evaluated: 2019-02-08. Review status: criteria provided, single submitter. Criteria: Invitae Variant Classification Sherloc (09022015). Collection method: clinical testing. Allele origin: germline.
Comment: This sequence change creates a premature translational stop signal (p.Glu1074*) in the DNAH11 gene. It is expected to result in an absent or disrupted protein product. This variant is not present in population databases (ExAC no frequency). This variant has not been reported in the literature in individuals with DNAH11-related conditions. Loss-of-function variants in DNAH11 are known to be pathogenic (PMID: 18022865, 20513915, 22184204). For these reasons, this variant has been classified as Pathogenic.

NM_001277115.2(DNAH11):c.3220G>T (p.Glu1074Ter)

Genes: DNAH11 (dynein axonemal heavy chain 11; plus strand), LOC126859961 (BRD4-independent group 4 enhancer GRCh37_chr7:21639662-21640861; plus strand). Cytogenetic location: 7p15.3.
Variant type: single nucleotide variant.
Coding change: c.3220G>T on transcript NM_001277115.2 (MANE Select); coding-DNA position 3220, G replaced by T.
Protein change: p.Glu1074Ter; replaces glutamic acid 1074 with a stop codon.
Molecular consequence: nonsense.
Genome position (GRCh38, 1-based): chr7:21,600,895, G>T. VCF-style: chr7-21600895-G-T. GRCh37 (hg19) VCF-style: chr7-21640513-G-T.
Other names: short protein forms E1074*.
Identifiers: ClinVar variation 837408 (VCV000837408.1), dbSNP rs765778415, ClinGen allele CA366945367.
Genomic context (GRCh38, chr7:21,600,895, plus strand): 5'-TTGTATGGCCATGCTGTGTCTTCCGATGAAATGGATGCTCATGCAAATGAAGAAATTCCC[G>T]AACAACCACCAACTCTTGAGCAATTCAAAGAACAGGCAAGGAAAACCCTTAGCATTTAAT-3'